The following is an entry in ClinVar:

ClinVar aggregate classification (germline): Uncertain significance (1 of 4 stars; one submission).

Allele frequency attached by ClinVar (database versions not stated): gnomAD exomes below 0.00001 and 0.00001; TOPMed below 0.00001; ExAC 0.00001; gnomAD 0.00001.
gnomAD v4.1: 19 of 1,614,012 alleles (0.0012%); highest among the groups gnomAD compares: East Asian, 0.029%; no homozygotes.

Submission:

Labcorp Genetics (formerly Invitae), Labcorp
Classification: Uncertain significance. Last evaluated: 2025-03-20. Review status: criteria provided, single submitter. Criteria: Invitae Variant Classification Sherloc (09022015). Collection method: clinical testing. Allele origin: germline.
Comment: This sequence change replaces alanine, which is neutral and non-polar, with threonine, which is neutral and polar, at codon 497 of the DEAF1 protein (p.Ala497Thr). This variant is present in population databases (rs762338624, gnomAD 0.006%). This variant has not been reported in the literature in individuals affected with DEAF1-related conditions. ClinVar contains an entry for this variant (Variation ID: 1421632). Invitae Evidence Modeling of protein sequence and biophysical properties (such as structural, functional, and spatial information, amino acid conservation, physicochemical variation, residue mobility, and thermodynamic stability) indicates that this missense variant is not expected to disrupt DEAF1 protein function with a negative predictive value of 95%. In summary, the available evidence is currently insufficient to determine the role of this variant in disease. Therefore, it has been classified as a Variant of Uncertain Significance.

NM_021008.4(DEAF1):c.1489G>A (p.Ala497Thr)

Genes: DEAF1 (DEAF1 transcription factor; minus strand), LOC126861109 (BRD4-independent group 4 enhancer GRCh37_chr11:673917-675116; plus strand). Cytogenetic location: 11p15.5.
Variant type: single nucleotide variant.
Coding change: c.1489G>A on transcript NM_021008.4 (MANE Select); coding-DNA position 1489, G replaced by A.
Protein change: p.Ala497Thr; replaces alanine 497 with threonine.
Molecular consequence: missense variant.
Genome position (GRCh38, 1-based): chr11:674,550, C>T on the plus strand (G>A on the coding strand, the complement: DEAF1 is on the minus strand). VCF-style: chr11-674550-C-T. GRCh37 (hg19) VCF-style: chr11-674550-C-T.
Other names: c.1222G>A, p.Ala408Thr (NM_001293634.2); c.763G>A, p.Ala255Thr (NM_001367390.1); short protein forms A408T, A497T, A255T.
Identifiers: ClinVar variation 1421632 (VCV001421632.8), dbSNP rs762338624, ClinGen allele CA5786205.